The following is an entry in ClinVar:

NM_005585.5(SMAD6):c.453G>T (p.Glu151Asp)

Gene: SMAD6 (SMAD family member 6; plus strand). Cytogenetic location: 15q22.31.
Variant type: single nucleotide variant.
Coding change: c.453G>T on transcript NM_005585.5 (MANE Select); coding-DNA position 453, G replaced by T.
Protein change: p.Glu151Asp; replaces glutamic acid 151 with aspartic acid.
Molecular consequence: missense variant. On other transcripts: non-coding transcript variant (1).
Genome position (GRCh38, 1-based): chr15:66,703,711, G>T. VCF-style: chr15-66703711-G-T. GRCh37 (hg19) VCF-style: chr15-66996049-G-T.
Other names: c.453G>T (NM_005585.4); short protein forms E151D.
Identifiers: ClinVar variation 3705057 (VCV003705057.3).

ClinVar aggregate classification (germline): Uncertain significance. Review status: criteria provided, multiple submitters, no conflicts (2 of 4 stars). 2 submissions from 2 submitters: Uncertain significance (2). Last evaluated 2025-01-04.

Conditions:
Aortic valve disease 2 (AOVD2). Identifiers: MedGen C3542024, MONDO:0013902, OMIM 614823.
Inborn genetic diseases. Identifiers: MedGen C0950123, MeSH D030342.

gnomAD v4.1: 12 of 1,347,418 alleles (0.00089%); highest among the groups gnomAD compares: African/African-American, 0.017%; no homozygotes.

Submissions (2):

Ambry Genetics
Classification: Uncertain significance for Inborn genetic diseases. Last evaluated: 2025-01-04. Review status: criteria provided, single submitter. Criteria: Ambry Variant Classification Scheme 2023. Collection method: clinical testing. Allele origin: germline.

Labcorp Genetics (formerly Invitae), Labcorp
Classification: Uncertain significance for Aortic valve disease 2. Last evaluated: 2024-11-14. Review status: criteria provided, single submitter. Criteria: Invitae Variant Classification Sherloc (09022015). Collection method: clinical testing. Allele origin: germline.
Comment: This sequence change replaces glutamic acid, which is acidic and polar, with aspartic acid, which is acidic and polar, at codon 151 of the SMAD6 protein (p.Glu151Asp). This variant is present in population databases (no rsID available, gnomAD 0.03%). This variant has not been reported in the literature in individuals affected with SMAD6-related conditions. Invitae Evidence Modeling of protein sequence and biophysical properties (such as structural, functional, and spatial information, amino acid conservation, physicochemical variation, residue mobility, and thermodynamic stability) indicates that this missense variant is not expected to disrupt SMAD6 protein function with a negative predictive value of 80%. In summary, the available evidence is currently insufficient to determine the role of this variant in disease. Therefore, it has been classified as a Variant of Uncertain Significance.